The following is an entry in ClinVar:

ClinVar aggregate classification (germline): Uncertain significance (1 of 4 stars; one submission).

Conditions:
Familial sleep-related hypermotor epilepsy. Also called: Autosomal Dominant Sleep-Related Hypermotor (Hyperkinetic) Epilepsy. Identifiers: Orphanet 98784, MedGen C3696898, MONDO:0000030.

Allele frequency attached by ClinVar (database versions not stated): TOPMed 0.00001.
gnomAD v4.1: 2 of 1,515,576 alleles (0.00013%); highest among the groups gnomAD compares: Admixed American, 0.0021%; no homozygotes.

Submission:

Labcorp Genetics (formerly Invitae), Labcorp
Classification: Uncertain significance. Last evaluated: 2025-01-27. Review status: criteria provided, single submitter. Criteria: Invitae Variant Classification Sherloc (09022015). Collection method: clinical testing. Allele origin: germline.
Comment: This sequence change replaces proline, which is neutral and non-polar, with glutamine, which is neutral and polar, at codon 458 of the CHRNA4 protein (p.Pro458Gln). The frequency data for this variant in the population databases is considered unreliable, as metrics indicate poor data quality at this position in the gnomAD database. This variant has not been reported in the literature in individuals affected with CHRNA4-related conditions. ClinVar contains an entry for this variant (Variation ID: 942392). Invitae Evidence Modeling of protein sequence and biophysical properties (such as structural, functional, and spatial information, amino acid conservation, physicochemical variation, residue mobility, and thermodynamic stability) indicates that this missense variant is not expected to disrupt CHRNA4 protein function with a negative predictive value of 80%. In summary, the available evidence is currently insufficient to determine the role of this variant in disease. Therefore, it has been classified as a Variant of Uncertain Significance.

NM_000744.7(CHRNA4):c.1373C>A (p.Pro458Gln)

Gene: CHRNA4 (cholinergic receptor nicotinic alpha 4 subunit; minus strand). Cytogenetic location: 20q13.33.
Variant type: single nucleotide variant.
Coding change: c.1373C>A on transcript NM_000744.7 (MANE Select); coding-DNA position 1373, C replaced by A.
Protein change: p.Pro458Gln; replaces proline 458 with glutamine.
Molecular consequence: missense variant. On other transcripts: non-coding transcript variant (1).
Genome position (GRCh38, 1-based): chr20:63,350,038, G>T on the plus strand (C>A on the coding strand, the complement: CHRNA4 is on the minus strand). VCF-style: chr20-63350038-G-T. GRCh37 (hg19) VCF-style: chr20-61981390-G-T.
Other names: c.845C>A, p.Pro282Gln (NM_001256573.2); short protein forms P282Q, P458Q.
Identifiers: ClinVar variation 942392 (VCV000942392.9), dbSNP rs121912277, ClinGen allele CA9957605.
Genomic context (GRCh38, chr20:63,350,038, plus strand): 5'-ACCGCTTCGCCAGGGCTGGACATGTGCTGGACGCTGAGGGACCTGGCTTTGGCCAGCCCT[G>T]GTGCCTGGGTGCCGTGGGGCGGGCGGCAGGGTCCAGGCGAGGGGTGGGGGCTGGCTTTCT-3'
Protein context (NP_000735.1, residues 448-468): PCRPPHGTQA[Pro458Gln]GLAKARSLSV